The following is an entry in ClinVar:

NM_182914.3(SYNE2):c.17225A>G (p.His5742Arg)

Gene: SYNE2 (spectrin repeat containing nuclear envelope protein 2; plus strand). Cytogenetic location: 14q23.2.
Variant type: single nucleotide variant.
Coding change: c.17225A>G on transcript NM_182914.3 (MANE Select); coding-DNA position 17225, A replaced by G.
Protein change: p.His5742Arg; replaces histidine 5742 with arginine.
Molecular consequence: missense variant.
Genome position (GRCh38, 1-based): chr14:64,170,452, A>G. VCF-style: chr14-64170452-A-G. GRCh37 (hg19) VCF-style: chr14-64637170-A-G.
Other names: c.17225A>G, p.His5742Arg (NM_015180.6); short protein forms H5742R.
Identifiers: ClinVar variation 962161 (VCV000962161.1), dbSNP rs752227568, ClinGen allele CA7223625.

ClinVar aggregate classification (germline): Uncertain significance (1 of 4 stars; one submission).

Conditions:
Emery-Dreifuss muscular dystrophy 5, autosomal dominant (EDMD5). Also called: EMERY-DREIFUSS MUSCULAR DYSTROPHY 5. Identifiers: Orphanet 261, MedGen C2751805, MONDO:0013072, OMIM 612999.

Allele frequency attached by ClinVar (database versions not stated): gnomAD 0.00001; gnomAD exomes 0.00001; TOPMed 0.00001; ExAC 0.00002.
gnomAD v4.1: 4 of 1,611,084 alleles (0.00025%); highest among the groups gnomAD compares: East Asian, 0.0067%; no homozygotes.

Submission:

Labcorp Genetics (formerly Invitae), Labcorp
Classification: Uncertain significance for Emery-Dreifuss muscular dystrophy 5, autosomal dominant. Last evaluated: 2019-08-06. Review status: criteria provided, single submitter. Criteria: Invitae Variant Classification Sherloc (09022015). Collection method: clinical testing. Allele origin: germline.
Comment: This sequence change replaces histidine with arginine at codon 5742 of the SYNE2 protein (p.His5742Arg). The histidine residue is moderately conserved and there is a small physicochemical difference between histidine and arginine. This variant is present in population databases (rs752227568, ExAC 0.03%). This variant has not been reported in the literature in individuals with SYNE2-related conditions. Algorithms developed to predict the effect of missense changes on protein structure and function output the following: SIFT: "Tolerated"; PolyPhen-2: "Benign"; Align-GVGD: "Class C0". The arginine amino acid residue is found in multiple mammalian species, suggesting that this missense change does not adversely affect protein function. These predictions have not been confirmed by published functional studies and their clinical significance is uncertain. Algorithms developed to predict the effect of sequence changes on RNA splicing suggest that this variant may create or strengthen a splice site, but this prediction has not been confirmed by published transcriptional studies. In summary, the available evidence is currently insufficient to determine the role of this variant in disease. Therefore, it has been classified as a Variant of Uncertain Significance.